The following is an entry in ClinVar:

NM_006766.5(KAT6A):c.4358G>A (p.Cys1453Tyr)

Gene: KAT6A (lysine acetyltransferase 6A; minus strand). Cytogenetic location: 8p11.21.
Variant type: single nucleotide variant.
Coding change: c.4358G>A on transcript NM_006766.5 (MANE Select); coding-DNA position 4358, G replaced by A.
Protein change: p.Cys1453Tyr; replaces cysteine 1453 with tyrosine.
Molecular consequence: missense variant.
Genome position (GRCh38, 1-based): chr8:41,933,862, C>T on the plus strand (G>A on the coding strand, the complement: KAT6A is on the minus strand). VCF-style: chr8-41933862-C-T. GRCh37 (hg19) VCF-style: chr8-41791380-C-T.
Other names: short protein forms C1453Y.
Identifiers: ClinVar variation 3370871 (VCV003370871.1).

ClinVar aggregate classification (germline): Uncertain significance (1 of 4 stars; one submission).

gnomAD v4.1: 1 of 1,614,176 alleles (0.000062%); highest among the groups gnomAD compares: Non-Finnish European, 0.000085%; no homozygotes.

Submission:

GeneDx
Classification: Uncertain significance. Last evaluated: 2024-03-13. Review status: criteria provided, single submitter. Criteria: GeneDx Variant Classification Process June 2021. Collection method: clinical testing. Allele origin: germline. Affected: yes.
Comment: Not observed at significant frequency in large population cohorts (gnomAD); In silico analysis supports that this missense variant has a deleterious effect on protein structure/function; Has not been previously published as pathogenic or benign to our knowledge